The following is an entry in ClinVar:

ClinVar aggregate classification (germline): Uncertain significance (1 of 4 stars; one submission).

Submission:

Labcorp Genetics (formerly Invitae), Labcorp
Classification: Uncertain significance. Last evaluated: 2021-05-03. Review status: criteria provided, single submitter. Criteria: Invitae Variant Classification Sherloc (09022015). Collection method: clinical testing. Allele origin: germline.
Comment: In summary, the available evidence is currently insufficient to determine the role of this variant in disease. Therefore, it has been classified as a Variant of Uncertain Significance. Algorithms developed to predict the effect of sequence changes on RNA splicing suggest that this variant may create or strengthen a splice site, but this prediction has not been confirmed by published transcriptional studies. Algorithms developed to predict the effect of missense changes on protein structure and function (SIFT, PolyPhen-2, Align-GVGD) all suggest that this variant is likely to be disruptive, but these predictions have not been confirmed by published functional studies and their clinical significance is uncertain. This variant has not been reported in the literature in individuals with KIF20A-related conditions. This variant is not present in population databases (ExAC no frequency). This sequence change replaces histidine with tyrosine at codon 509 of the KIF20A protein (p.His509Tyr). The histidine residue is highly conserved and there is a moderate physicochemical difference between histidine and tyrosine.

NM_005733.3(KIF20A):c.1525C>T (p.His509Tyr)

Gene: KIF20A (kinesin family member 20A; plus strand). Cytogenetic location: 5q31.2.
Variant type: single nucleotide variant.
Coding change: c.1525C>T on transcript NM_005733.3 (MANE Select); coding-DNA position 1525, C replaced by T.
Protein change: p.His509Tyr; replaces histidine 509 with tyrosine.
Molecular consequence: missense variant.
Genome position (GRCh38, 1-based): chr5:138,184,518, C>T. VCF-style: chr5-138184518-C-T. GRCh37 (hg19) VCF-style: chr5-137520207-C-T.
Other names: short protein forms H509Y.
Identifiers: ClinVar variation 1474711 (VCV001474711.8), dbSNP rs2151233517, ClinGen allele CA361116584.